The following is an entry in ClinVar:

NM_021098.3(CACNA1H):c.3286G>A (p.Ala1096Thr)

Gene: CACNA1H (calcium voltage-gated channel subunit alpha1 H; plus strand). Cytogenetic location: 16p13.3.
Variant type: single nucleotide variant.
Coding change: c.3286G>A on transcript NM_021098.3 (MANE Select); coding-DNA position 3286, G replaced by A.
Protein change: p.Ala1096Thr; replaces alanine 1096 with threonine.
Molecular consequence: missense variant.
Genome position (GRCh38, 1-based): chr16:1,208,144, G>A. VCF-style: chr16-1208144-G-A. GRCh37 (hg19) VCF-style: chr16-1258144-G-A.
Other names: c.3286G>A, p.Ala1096Thr (NM_001005407.2); c.3286G>A (NM_021098.2); short protein forms A1096T.
Identifiers: ClinVar variation 1973803 (VCV001973803.7), dbSNP rs1467122050, ClinGen allele CA394172142.
Genomic context (GRCh38, chr16:1,208,144, plus strand): 5'-CTCATCATGTGCACAGCTGCCACGCCCATGCCTACCCCCAAGAGCTCACCATTCCTGGAT[G>A]CAGCCCCCAGCCTCCCAGACTCTCGGCGTGGCAGCAGCAGCTCCGGGGACCCGCCACTGG-3'
Protein context (NP_066921.2, residues 1086-1106): PTPKSSPFLD[Ala1096Thr]APSLPDSRRG

ClinVar aggregate classification (germline): Uncertain significance. Review status: criteria provided, multiple submitters, no conflicts (2 of 4 stars). 3 submissions from 3 submitters: Uncertain significance (3). Last evaluated 2025-01-21.

Conditions:
Idiopathic generalized epilepsy. Also called: Generalised epilepsy; EIG. Identifiers: MedGen C0270850, MONDO:0005579, OMIM 600669.
Hyperaldosteronism, familial, type IV (HALD4). Also called: FH IV; ALDOSTERONISM, PRIMARY, AND HYPERTENSION. Identifiers: Orphanet 642671, MedGen C4310756, MONDO:0014875, OMIM 617027.
Epilepsy, childhood absence, susceptibility to, 6. Identifiers: Orphanet 64280, MedGen C2749872, MONDO:0012763, OMIM 611942.
Inborn genetic diseases. Identifiers: MedGen C0950123, MeSH D030342.

Allele frequency attached by ClinVar (database versions not stated): gnomAD exomes below 0.00001; gnomAD 0.00001.
gnomAD v4.1: 2 of 1,583,086 alleles (0.00013%); highest among the groups gnomAD compares: Admixed American, 0.0018%; no homozygotes.

Submissions (3):

Ambry Genetics
Classification: Uncertain significance for Inborn genetic diseases. Last evaluated: 2025-01-21. Review status: criteria provided, single submitter. Criteria: Ambry Variant Classification Scheme 2023. Collection method: clinical testing. Allele origin: germline.

Labcorp Genetics (formerly Invitae), Labcorp
Classification: Uncertain significance for Idiopathic generalized epilepsy; Hyperaldosteronism, familial, type IV. Last evaluated: 2024-05-20. Review status: criteria provided, single submitter. Criteria: Invitae Variant Classification Sherloc (09022015). Collection method: clinical testing. Allele origin: germline.
Comment: This sequence change replaces alanine, which is neutral and non-polar, with threonine, which is neutral and polar, at codon 1096 of the CACNA1H protein (p.Ala1096Thr). This variant is present in population databases (no rsID available, gnomAD 0.003%). This variant has not been reported in the literature in individuals affected with CACNA1H-related conditions. ClinVar contains an entry for this variant (Variation ID: 1973803). Advanced modeling of protein sequence and biophysical properties (such as structural, functional, and spatial information, amino acid conservation, physicochemical variation, residue mobility, and thermodynamic stability) performed at Invitae indicates that this missense variant is not expected to disrupt CACNA1H protein function with a negative predictive value of 80%. In summary, the available evidence is currently insufficient to determine the role of this variant in disease. Therefore, it has been classified as a Variant of Uncertain Significance.

Fulgent Genetics
Classification: Uncertain significance for Epilepsy, childhood absence, susceptibility to, 6; Hyperaldosteronism, familial, type IV. Last evaluated: 2024-04-28. Review status: criteria provided, single submitter. Criteria: ACMG Guidelines, 2015. Collection method: clinical testing. Allele origin: germline.